The following is an entry in ClinVar:

ClinVar aggregate classification (germline): Uncertain significance. Review status: criteria provided, multiple submitters, no conflicts (2 of 4 stars). 2 submissions from 2 submitters: Uncertain significance (2). Last evaluated 2023-10-18.

Conditions:
DICER1-related tumor predisposition. Also called: DICER1 syndrome; DICER1-related pleuropulmonary blastoma cancer predisposition syndrome. Identifiers: Orphanet 284343, MedGen C3839822, MONDO:0100216.
Hereditary cancer-predisposing syndrome. Also called: Hereditary neoplastic syndrome; Tumor predisposition; Hereditary Cancer Syndrome; Neoplastic Syndromes, Hereditary. Identifiers: Orphanet 140162, MedGen C0027672, MeSH D009386, MONDO:0015356.

Allele frequency attached by ClinVar (database versions not stated): gnomAD exomes below 0.00001; TOPMed below 0.00001.
gnomAD v4.1: 1 of 1,614,156 alleles (0.000062%); highest among the groups gnomAD compares: East Asian, 0.0022%; no homozygotes.

Submissions (2):

Labcorp Genetics (formerly Invitae), Labcorp
Classification: Uncertain significance for DICER1-related tumor predisposition. Last evaluated: 2023-10-18. Review status: criteria provided, single submitter. Criteria: Invitae Variant Classification Sherloc (09022015). Collection method: clinical testing. Allele origin: germline.
Comment: This sequence change replaces serine, which is neutral and polar, with proline, which is neutral and non-polar, at codon 1142 of the DICER1 protein (p.Ser1142Pro). This variant is present in population databases (no rsID available, gnomAD 0.006%). This variant has not been reported in the literature in individuals affected with DICER1-related conditions. ClinVar contains an entry for this variant (Variation ID: 577014). Advanced modeling of protein sequence and biophysical properties (such as structural, functional, and spatial information, amino acid conservation, physicochemical variation, residue mobility, and thermodynamic stability) performed at Invitae indicates that this missense variant is not expected to disrupt DICER1 protein function. In summary, the available evidence is currently insufficient to determine the role of this variant in disease. Therefore, it has been classified as a Variant of Uncertain Significance.

Ambry Genetics
Classification: Uncertain significance for Hereditary cancer-predisposing syndrome. Last evaluated: 2019-09-27. Review status: criteria provided, single submitter. Criteria: Ambry Variant Classification Scheme 2023. Collection method: clinical testing. Allele origin: germline.
Comment: The p.S1142P variant (also known as c.3424T>C), located in coding exon 20 of the DICER1 gene, results from a T to C substitution at nucleotide position 3424. The serine at codon 1142 is replaced by proline, an amino acid with similar properties. This amino acid position is not well conserved in available vertebrate species. In addition, this alteration is predicted to be tolerated by in silico analysis. Since supporting evidence is limited at this time, the clinical significance of this alteration remains unclear.

NM_177438.3(DICER1):c.3424T>C (p.Ser1142Pro)

Gene: DICER1 (dicer 1, ribonuclease III; minus strand). Cytogenetic location: 14q32.13.
Variant type: single nucleotide variant.
Coding change: c.3424T>C on transcript NM_177438.3 (MANE Select); coding-DNA position 3424, T replaced by C.
Protein change: p.Ser1142Pro; replaces serine 1142 with proline.
Molecular consequence: missense variant.
Genome position (GRCh38, 1-based): chr14:95,103,972, A>G on the plus strand (T>C on the coding strand, the complement: DICER1 is on the minus strand). VCF-style: chr14-95103972-A-G. GRCh37 (hg19) VCF-style: chr14-95570309-A-G.
Other names: c.3424T>C, p.Ser1142Pro (NM_001195573.1, NM_001271282.3, NM_001291628.2 and 1 more transcripts); short protein forms S1142P.
Identifiers: ClinVar variation 577014 (VCV000577014.15), dbSNP rs1257619891, ClinGen allele CA390875504.
Genomic context (GRCh38, chr14:95,103,972, plus strand): 5'-CAGGGGACTCGCTGAGCAACGTTCTGCAGTTCACAGACATTTGGTCATGATTTTCTAGAG[A>G]GGAGGTTCTATTAGCACCTTGATGTGCAGCATTTTCAGGGACAATTGTGCTGTGCTTACA-3'
Protein context (NP_803187.1, residues 1132-1152): AAHQGANRTS[Ser1142Pro]LENHDQMSVN